The following is an entry in ClinVar:

ClinVar aggregate classification (germline): Uncertain significance (1 of 4 stars; one submission).

Allele frequency attached by ClinVar (database versions not stated): gnomAD 0.00001.
gnomAD v4.1: 1 of 1,610,088 alleles (0.000062%); highest among the groups gnomAD compares: African/African-American, 0.0013%; no homozygotes.

Submission:

Labcorp Genetics (formerly Invitae), Labcorp
Classification: Uncertain significance. Last evaluated: 2022-08-12. Review status: criteria provided, single submitter. Criteria: Invitae Variant Classification Sherloc (09022015). Collection method: clinical testing. Allele origin: germline.
Comment: This sequence change replaces methionine, which is neutral and non-polar, with valine, which is neutral and non-polar, at codon 93 of the WHRN protein (p.Met93Val). This variant is not present in population databases (gnomAD no frequency). This variant has not been reported in the literature in individuals affected with WHRN-related conditions. Algorithms developed to predict the effect of missense changes on protein structure and function (SIFT, PolyPhen-2, Align-GVGD) all suggest that this variant is likely to be tolerated. In summary, the available evidence is currently insufficient to determine the role of this variant in disease. Therefore, it has been classified as a Variant of Uncertain Significance.

NM_015404.4(WHRN):c.277A>G (p.Met93Val)

Gene: WHRN (whirlin; minus strand). Cytogenetic location: 9q32.
Variant type: single nucleotide variant.
Coding change: c.277A>G on transcript NM_015404.4 (MANE Select); coding-DNA position 277, A replaced by G.
Protein change: p.Met93Val; replaces methionine 93 with valine.
Molecular consequence: missense variant.
Genome position (GRCh38, 1-based): chr9:114,504,525, T>C on the plus strand (A>G on the coding strand, the complement: WHRN is on the minus strand). VCF-style: chr9-114504525-T-C. GRCh37 (hg19) VCF-style: chr9-117266805-T-C.
Other names: c.277A>G, p.Met93Val (NM_001173425.2); short protein forms M93V.
Identifiers: ClinVar variation 1960614 (VCV001960614.5), dbSNP rs1428144829, ClinGen allele CA374613277.